The following is an entry in ClinVar:

ClinVar aggregate classification (germline): Pathogenic (1 of 4 stars; one submission).

Submission:

Labcorp Genetics (formerly Invitae), Labcorp
Classification: Pathogenic. Last evaluated: 2022-10-13. Review status: criteria provided, single submitter. Criteria: Invitae Variant Classification Sherloc (09022015). Collection method: clinical testing. Allele origin: germline.
Comment: For these reasons, this variant has been classified as Pathogenic. This variant has not been reported in the literature in individuals affected with TMPRSS15-related conditions. This variant is not present in population databases (gnomAD no frequency). This sequence change creates a premature translational stop signal (p.Ser496Alafs*2) in the TMPRSS15 gene. It is expected to result in an absent or disrupted protein product. Loss-of-function variants in TMPRSS15 are known to be pathogenic (PMID: 11719902).

Literature cited by the submitters: PubMed 11719902.

NM_002772.3(TMPRSS15):c.1485del (p.Ser496fs)

Gene: TMPRSS15 (transmembrane serine protease 15; minus strand). Cytogenetic location: 21q21.1.
Variant type: Deletion.
Coding change: c.1485del on transcript NM_002772.3 (MANE Select); coding-DNA position 1485, one base deleted (T; older notation c.1485delT).
Protein change: p.Ser496fs; shifts the reading frame from serine 496.
Molecular consequence: frameshift variant.
Genome position (GRCh38, 1-based): chr21:18,341,492, A deleted on the plus strand (T on the coding strand, the reverse complement: TMPRSS15 is on the minus strand); the first of 2 consecutive A bases (chr21:18,341,492-18,341,493); deleting either gives the same sequence. VCF-style (leftmost placement, unchanged base first): chr21-18341491-TA-T. GRCh37 (hg19) VCF-style: chr21-19713808-TA-T.
Other names: short protein forms S496fs.
Identifiers: ClinVar variation 2117016 (VCV002117016.4), dbSNP rs2516694284, ClinGen allele CA2580098524.